The following is an entry in ClinVar:

ClinVar aggregate classification (germline): Uncertain significance (1 of 4 stars; one submission).

Allele frequency attached by ClinVar (database versions not stated): gnomAD 0.00001; TOPMed 0.00002.

Submission:

Labcorp Genetics (formerly Invitae), Labcorp
Classification: Uncertain significance. Last evaluated: 2022-02-14. Review status: criteria provided, single submitter. Criteria: Invitae Variant Classification Sherloc (09022015). Collection method: clinical testing. Allele origin: germline.
Comment: In summary, the available evidence is currently insufficient to determine the role of this variant in disease. Therefore, it has been classified as a Variant of Uncertain Significance. Algorithms developed to predict the effect of missense changes on protein structure and function are either unavailable or do not agree on the potential impact of this missense change (SIFT: "Tolerated"; PolyPhen-2: "Probably Damaging"; Align-GVGD: "Class C0"). This variant has not been reported in the literature in individuals affected with GNPAT-related conditions. This variant is not present in population databases (gnomAD no frequency). This sequence change replaces glutamic acid, which is acidic and polar, with alanine, which is neutral and non-polar, at codon 141 of the GNPAT protein (p.Glu141Ala).

NM_014236.4(GNPAT):c.422A>C (p.Glu141Ala)

Gene: GNPAT (glyceronephosphate O-acyltransferase; plus strand). Cytogenetic location: 1q42.2.
Variant type: single nucleotide variant.
Coding change: c.422A>C on transcript NM_014236.4 (MANE Select); coding-DNA position 422, A replaced by C.
Protein change: p.Glu141Ala; replaces glutamic acid 141 with alanine.
Molecular consequence: missense variant.
Genome position (GRCh38, 1-based): chr1:231,260,667, A>C. VCF-style: chr1-231260667-A-C. GRCh37 (hg19) VCF-style: chr1-231396413-A-C.
Other names: c.239A>C, p.Glu80Ala (NM_001316350.2); short protein forms E80A, E141A.
Identifiers: ClinVar variation 2097603 (VCV002097603.4), dbSNP rs1273960173, ClinGen allele CA345231672.
Genomic context (GRCh38, chr1:231,260,667, plus strand): 5'-TTTGTGCCTTCACCCTGAGCAAAGTATTTAAACAAATTTTCTCGAAGGTGTGTGTAAATG[A>C]AGAAGGTATTCAGAAAGTGAGTATTGATTATTAAAAAAATAAAGAAATAAAAGTCTCATC-3'
Protein context (NP_055051.1, residues 131-151): KQIFSKVCVN[Glu141Ala]EGIQKLQRAI